The following is an entry in ClinVar:

NM_015338.6(ASXL1):c.71A>G (p.Tyr24Cys)

Gene: ASXL1 (ASXL transcriptional regulator 1; plus strand). Cytogenetic location: 20q11.21.
Variant type: single nucleotide variant.
Coding change: c.71A>G on transcript NM_015338.6 (MANE Select); coding-DNA position 71, A replaced by G.
Protein change: p.Tyr24Cys; replaces tyrosine 24 with cysteine.
Molecular consequence: missense variant.
Genome position (GRCh38, 1-based): chr20:32,366,397, A>G. VCF-style: chr20-32366397-A-G. GRCh37 (hg19) VCF-style: chr20-30954200-A-G.
Other names: c.71A>G, p.Tyr24Cys (NM_001164603.1); c.41A>G, p.Tyr14Cys (NM_001363734.1); short protein forms Y14C, Y24C.
Identifiers: ClinVar variation 2762477 (VCV002762477.3), dbSNP rs2122810196, ClinGen allele CA408577570.

ClinVar aggregate classification (germline): Uncertain significance (1 of 4 stars; one submission).

Submission:

Labcorp Genetics (formerly Invitae), Labcorp
Classification: Uncertain significance. Last evaluated: 2023-09-21. Review status: criteria provided, single submitter. Criteria: Invitae Variant Classification Sherloc (09022015). Collection method: clinical testing. Allele origin: germline.
Comment: In summary, the available evidence is currently insufficient to determine the role of this variant in disease. Therefore, it has been classified as a Variant of Uncertain Significance. An algorithm developed to predict the effect of missense changes on protein structure and function (PolyPhen-2) suggests that this variant is likely to be disruptive. This variant has not been reported in the literature in individuals affected with ASXL1-related conditions. This variant is not present in population databases (gnomAD no frequency). This sequence change replaces tyrosine, which is neutral and polar, with cysteine, which is neutral and slightly polar, at codon 24 of the ASXL1 protein (p.Tyr24Cys).